The following is an entry in ClinVar:

NM_001009944.3(PKD1):c.6942C>G (p.Asn2314Lys)

Gene: PKD1 (polycystin 1, transient receptor potential channel interacting; minus strand). Cytogenetic location: 16p13.3.
Variant type: single nucleotide variant.
Coding change: c.6942C>G on transcript NM_001009944.3 (MANE Select); coding-DNA position 6942, C replaced by G.
Protein change: p.Asn2314Lys; replaces asparagine 2314 with lysine.
Molecular consequence: missense variant.
Genome position (GRCh38, 1-based): chr16:2,108,006, G>C on the plus strand (C>G on the coding strand, the complement: PKD1 is on the minus strand). VCF-style: chr16-2108006-G-C. GRCh37 (hg19) VCF-style: chr16-2158007-G-C.
Other names: c.6942C>G, p.Asn2314Lys (NM_000296.4); short protein forms N2314K.
Identifiers: ClinVar variation 4983863 (VCV004983863.1).

ClinVar aggregate classification (germline): Uncertain significance (1 of 4 stars; one submission).

Conditions:
PKD1-related disorder. Also called: PKD1-related condition.

gnomAD v4.1: 21 of 1,548,906 alleles (0.0014%); highest among the groups gnomAD compares: Non-Finnish European, 0.0018%; no homozygotes.

Submission:

PreventionGenetics, part of Exact Sciences
Classification: Uncertain significance for PKD1-related condition. Last evaluated: 2026-03-24. Review status: criteria provided, single submitter. Criteria: ACMG Guidelines, 2015. Collection method: clinical testing. Allele origin: germline.
Comment: The PKD1 c.6942C>G variant is predicted to result in the amino acid substitution p.Asn2314Lys. To our knowledge, this variant has not been reported in the literature. This variant is reported in 0.0065% of alleles in individuals of European (Non-Finnish) descent in gnomAD. At this time, the clinical significance of this variant is uncertain due to the absence of conclusive functional and genetic evidence.